The following is an entry in ClinVar:

ClinVar aggregate classification (germline): Uncertain significance (1 of 4 stars; one submission).

Allele frequency attached by ClinVar (database versions not stated): TOPMed below 0.00001; gnomAD 0.00001.
gnomAD v4.1: 1 of 1,542,030 alleles (0.000065%); highest among the groups gnomAD compares: African/African-American, 0.0014%; no homozygotes.

Submission:

GeneDx
Classification: Uncertain significance. Last evaluated: 2025-01-15. Review status: criteria provided, single submitter. Criteria: GeneDx Variant Classification Process June 2021. Collection method: clinical testing. Allele origin: germline. Affected: yes.
Comment: Not observed at significant frequency in large population cohorts (gnomAD); In silico analysis indicates that this missense variant does not alter protein structure/function; Has not been previously published as pathogenic or benign to our knowledge

NM_001374828.1(ARID1B):c.565C>G (p.Leu189Val)

Genes: ARID1B (AT-rich interaction domain 1B; plus strand), LOC115308161 (uncharacterized LOC115308161; minus strand). Cytogenetic location: 6q25.3.
Variant type: single nucleotide variant.
Coding change: c.565C>G on transcript NM_001374828.1 (MANE Select); coding-DNA position 565, C replaced by G.
Protein change: p.Leu189Val; replaces leucine 189 with valine.
Molecular consequence: missense variant.
Genome position (GRCh38, 1-based): chr6:156,778,245, C>G. VCF-style: chr6-156778245-C-G. GRCh37 (hg19) VCF-style: chr6-157099379-C-G.
Other names: c.316C>G (NM_020732.3); c.565C>G, p.Leu189Val (NM_001371656.1, NM_001374820.1, NM_017519.3); short protein forms L189V.
Identifiers: ClinVar variation 1190361 (VCV001190361.3), dbSNP rs1454732216, ClinGen allele CA366381600.
Genomic context (GRCh38, chr6:156,778,245, plus strand): 5'-CACCACCACCATGCCCACCACCACCACCACCATGCCCACCACCTCCACCACCACCACGCA[C>G]TACAGCAGCAGCTAAACCAGTTCCAGCAGCAGCAGCAGCAGCAGCAACAGCAGCAGCAGC-3'
Protein context (NP_001361757.1, residues 179-199): HAHHLHHHHA[Leu189Val]QQQLNQFQQQ